The following is an entry in ClinVar:

ClinVar aggregate classification (germline): Uncertain significance (1 of 4 stars; one submission).

Allele frequency attached by ClinVar (database versions not stated): gnomAD exomes below 0.00001; ExAC 0.00002.
gnomAD v4.1: 2 of 1,606,586 alleles (0.00012%); highest among the groups gnomAD compares: Admixed American, 0.0017%; no homozygotes.

Submission:

Labcorp Genetics (formerly Invitae), Labcorp
Classification: Uncertain significance. Last evaluated: 2022-07-08. Review status: criteria provided, single submitter. Criteria: Invitae Variant Classification Sherloc (09022015). Collection method: clinical testing. Allele origin: germline.
Comment: This variant has not been reported in the literature in individuals affected with SI-related conditions. In summary, the available evidence is currently insufficient to determine the role of this variant in disease. Therefore, it has been classified as a Variant of Uncertain Significance. Advanced modeling of protein sequence and biophysical properties (such as structural, functional, and spatial information, amino acid conservation, physicochemical variation, residue mobility, and thermodynamic stability) performed at Invitae indicates that this missense variant is expected to disrupt SI protein function. This variant is present in population databases (rs768951450, gnomAD 0.003%). This sequence change replaces alanine, which is neutral and non-polar, with threonine, which is neutral and polar, at codon 1332 of the SI protein (p.Ala1332Thr).

NM_001041.4(SI):c.3994G>A (p.Ala1332Thr)

Gene: SI (sucrase-isomaltase; minus strand). Cytogenetic location: 3q26.1.
Variant type: single nucleotide variant.
Coding change: c.3994G>A on transcript NM_001041.4 (MANE Select); coding-DNA position 3994, G replaced by A.
Protein change: p.Ala1332Thr; replaces alanine 1332 with threonine.
Molecular consequence: missense variant.
Genome position (GRCh38, 1-based): chr3:165,015,128, C>T on the plus strand (G>A on the coding strand, the complement: SI is on the minus strand). VCF-style: chr3-165015128-C-T. GRCh37 (hg19) VCF-style: chr3-164732916-C-T.
Other names: short protein forms A1332T.
Identifiers: ClinVar variation 2072909 (VCV002072909.3), dbSNP rs768951450, ClinGen allele CA2690082.